The following is an entry in ClinVar:

NM_014795.4(ZEB2):c.2764C>G (p.Pro922Ala)

Gene: ZEB2 (zinc finger E-box binding homeobox 2; minus strand). Cytogenetic location: 2q22.3.
Variant type: single nucleotide variant.
Coding change: c.2764C>G on transcript NM_014795.4 (MANE Select); coding-DNA position 2764, C replaced by G.
Protein change: p.Pro922Ala; replaces proline 922 with alanine.
Molecular consequence: missense variant.
Genome position (GRCh38, 1-based): chr2:144,398,423, G>C on the plus strand (C>G on the coding strand, the complement: ZEB2 is on the minus strand). VCF-style: chr2-144398423-G-C. GRCh37 (hg19) VCF-style: chr2-145155990-G-C.
Other names: c.2692C>G, p.Pro898Ala (NM_001171653.2); short protein forms P898A, P922A.
Identifiers: ClinVar variation 2820536 (VCV002820536.3), dbSNP rs776473212, ClinGen allele CA348707075.

ClinVar aggregate classification (germline): Uncertain significance (1 of 4 stars; one submission).

Conditions:
Mowat-Wilson syndrome (MOWS). Also called: Classic Mowat-Wilson Syndrome. Identifiers: Orphanet 2152, MedGen C1856113, MONDO:0009341, OMIM 235730.

Submission:

Labcorp Genetics (formerly Invitae), Labcorp
Classification: Uncertain significance for Mowat-Wilson syndrome. Last evaluated: 2023-01-18. Review status: criteria provided, single submitter. Criteria: Invitae Variant Classification Sherloc (09022015). Collection method: clinical testing. Allele origin: germline.
Comment: This sequence change replaces proline, which is neutral and non-polar, with alanine, which is neutral and non-polar, at codon 922 of the ZEB2 protein (p.Pro922Ala). This variant is not present in population databases (gnomAD no frequency). This variant has not been reported in the literature in individuals affected with ZEB2-related conditions. Algorithms developed to predict the effect of missense changes on protein structure and function (SIFT, PolyPhen-2, Align-GVGD) all suggest that this variant is likely to be tolerated. In summary, the available evidence is currently insufficient to determine the role of this variant in disease. Therefore, it has been classified as a Variant of Uncertain Significance.